The following is an entry in ClinVar:

NM_198253.3(TERT):c.3208G>A (p.Val1070Met)

Gene: TERT (telomerase reverse transcriptase; minus strand). Cytogenetic location: 5p15.33.
Variant type: single nucleotide variant.
Coding change: c.3208G>A on transcript NM_198253.3 (MANE Select); coding-DNA position 3208, G replaced by A.
Protein change: p.Val1070Met; replaces valine 1070 with methionine.
Molecular consequence: missense variant. On other transcripts: non-coding transcript variant (2).
Genome position (GRCh38, 1-based): chr5:1,254,455, C>T on the plus strand (G>A on the coding strand, the complement: TERT is on the minus strand). VCF-style: chr5-1254455-C-T. GRCh37 (hg19) VCF-style: chr5-1254570-C-T.
Other names: c.3019G>A, p.Val1007Met (NM_001193376.3); short protein forms V1007M, V1070M.
Identifiers: ClinVar variation 952820 (VCV000952820.9), dbSNP rs1747569185, ClinGen allele CA359067417.

ClinVar aggregate classification (germline): Uncertain significance. Review status: criteria provided, multiple submitters, no conflicts (2 of 4 stars). 4 submissions from 4 submitters: Uncertain significance (4). Last evaluated 2024-10-08.

Conditions:
Dyskeratosis congenita, autosomal dominant 2. Identifiers: MedGen C3151443, MONDO:0013521, OMIM 613989.
Idiopathic Pulmonary Fibrosis. Also called: Idiopathic fibrosing alveolitis, chronic form; idiopathic fibrosing alveolitis. Identifiers: Orphanet 2032, MedGen C1800706, MeSH D054990, MONDO:0800504.
Dyskeratosis congenita. Identifiers: Orphanet 1775, MedGen C0265965, MONDO:0015780.

Allele frequency attached by ClinVar (database versions not stated): gnomAD exomes below 0.00001; gnomAD 0.00001.
gnomAD v4.1: 2 of 1,612,910 alleles (0.00012%); highest among the groups gnomAD compares: African/African-American, 0.0013%; no homozygotes.

Submissions (4):

Blueprint Genetics
Classification: Uncertain significance. Last evaluated: 2024-10-08. Review status: criteria provided, single submitter. Criteria: ACMG Guidelines, 2015. Collection method: clinical testing. Allele origin: germline.

Baylor Genetics
Classification: Uncertain significance for Dyskeratosis congenita, autosomal dominant 2. Last evaluated: 2024-01-18. Review status: criteria provided, single submitter. Criteria: ACMG Guidelines, 2015. Collection method: clinical testing. Allele origin: unknown.

Labcorp Genetics (formerly Invitae), Labcorp
Classification: Uncertain significance for Dyskeratosis congenita, autosomal dominant 2; Idiopathic Pulmonary Fibrosis. Last evaluated: 2022-01-17. Review status: criteria provided, single submitter. Criteria: Invitae Variant Classification Sherloc (09022015). Collection method: clinical testing. Allele origin: germline.
Comment: This sequence change replaces valine, which is neutral and non-polar, with methionine, which is neutral and non-polar, at codon 1070 of the TERT protein (p.Val1070Met). This variant is not present in population databases (gnomAD no frequency). This variant has not been reported in the literature in individuals affected with TERT-related conditions. ClinVar contains an entry for this variant (Variation ID: 952820). Algorithms developed to predict the effect of missense changes on protein structure and function output the following: SIFT: "Tolerated"; PolyPhen-2: "Benign"; Align-GVGD: "Class C0". The methionine amino acid residue is found in multiple mammalian species, which suggests that this missense change does not adversely affect protein function. In summary, the available evidence is currently insufficient to determine the role of this variant in disease. Therefore, it has been classified as a Variant of Uncertain Significance.

Ambry Genetics
Classification: Uncertain significance for Dyskeratosis congenita. Last evaluated: 2014-05-27. Review status: criteria provided, single submitter. Criteria: Ambry Variant Classification Scheme 2023. Collection method: clinical testing. Allele origin: germline.
Comment: The p.V1070M variant (also known as c.3208G>A), located in coding exon 15 of the TERT gene, results from a G to A substitution at nucleotide position 3208. The valine at codon 1070 is replaced by methionine, an amino acid with highly similar properties. This variant was not reported in population based cohorts in the following databases: Database of Single Nucleotide Polymorphisms (dbSNP), NHLBI Exome Sequencing Project (ESP), and 1000 Genomes Project. This amino acid position is poorly conserved in available vertebrate species. Also, methionine is the reference amino acid in chimps. In addition, this alteration is predicted to be tolerated by in silico analysis. Since supporting evidence is limited at this time, the clinical significance of this variant remains unclear.